The following is an entry in ClinVar:

ClinVar aggregate classification (germline): Uncertain significance (1 of 4 stars; one submission).

Conditions:
Dystonic disorder. Also called: Dystonia. Identifiers: MedGen C0013421, MONDO:0003441, HP:0001332.

Allele frequency attached by ClinVar (database versions not stated): ExAC 0.00001; gnomAD exomes below 0.00001.
gnomAD v4.1: 5 of 1,614,230 alleles (0.00031%); highest among the groups gnomAD compares: South Asian, 0.0055%; no homozygotes.

Submission:

Labcorp Genetics (formerly Invitae), Labcorp
Classification: Uncertain significance for Dystonic disorder. Last evaluated: 2025-02-24. Review status: criteria provided, single submitter. Criteria: Invitae Variant Classification Sherloc (09022015). Collection method: clinical testing. Allele origin: germline.
Comment: This sequence change replaces alanine, which is neutral and non-polar, with valine, which is neutral and non-polar, at codon 38 of the DRD2 protein (p.Ala38Val). This variant is present in population databases (rs767413934, gnomAD 0.003%). This variant has not been reported in the literature in individuals affected with DRD2-related conditions. ClinVar contains an entry for this variant (Variation ID: 1969197). An algorithm developed to predict the effect of missense changes on protein structure and function (PolyPhen-2) suggests that this variant is likely to be disruptive. In summary, the available evidence is currently insufficient to determine the role of this variant in disease. Therefore, it has been classified as a Variant of Uncertain Significance.

NM_000795.4(DRD2):c.113C>T (p.Ala38Val)

Gene: DRD2 (dopamine receptor D2; minus strand). Cytogenetic location: 11q23.2.
Variant type: single nucleotide variant.
Coding change: c.113C>T on transcript NM_000795.4 (MANE Select); coding-DNA position 113, C replaced by T.
Protein change: p.Ala38Val; replaces alanine 38 with valine.
Molecular consequence: missense variant.
Genome position (GRCh38, 1-based): chr11:113,424,539, G>A on the plus strand (C>T on the coding strand, the complement: DRD2 is on the minus strand). VCF-style: chr11-113424539-G-A. GRCh37 (hg19) VCF-style: chr11-113295261-G-A.
Other names: c.113C>T, p.Ala38Val (NM_016574.4); short protein forms A38V.
Identifiers: ClinVar variation 1969197 (VCV001969197.5), dbSNP rs767413934, ClinGen allele CA6281490.